The following is an entry in ClinVar:

ClinVar aggregate classification (germline): Pathogenic/Likely pathogenic. Review status: criteria provided, multiple submitters, no conflicts (2 of 4 stars). 2 submissions from 2 submitters: Pathogenic (1); Likely pathogenic (1). Last evaluated 2026-09-02.

Conditions:
Primary ciliary dyskinesia. Also called: Ciliary dyskinesia. Identifiers: Orphanet 244, MedGen C0008780, MONDO:0016575, HP:0012265.

Allele frequency attached by ClinVar (database versions not stated): gnomAD 0.00004 and 0.00005; TOPMed 0.00006.
gnomAD v4.1: 13 of 1,612,728 alleles (0.00081%); highest among the groups gnomAD compares: African/African-American, 0.015%; no homozygotes.

Submissions (2):

Ambry Genetics
Classification: Likely pathogenic for Primary ciliary dyskinesia. Last evaluated: 2026-09-02. Review status: criteria provided, single submitter. Criteria: Ambry Variant Classification Scheme 2023. Collection method: clinical testing. Allele origin: germline.
Comment: The c.1784-1G>T intronic variant results from a G to T substitution one nucleotide upstream from coding exon 9 of the DNAAF5 gene. This nucleotide position is highly conserved in available vertebrate species. In silico splice site analysis predicts that this alteration will weaken the native splice acceptor site. Variants that disrupt the canonical splice site are expected to cause aberrant splicing, resulting in an abnormal protein or a transcript that is subject to nonsense-mediated mRNA decay. As such, this variant is classified as likely pathogenic.

Labcorp Genetics (formerly Invitae), Labcorp
Classification: Pathogenic for Primary ciliary dyskinesia. Last evaluated: 2021-02-09. Review status: criteria provided, single submitter. Criteria: Invitae Variant Classification Sherloc (09022015). Collection method: clinical testing. Allele origin: germline.
Comment: This sequence change affects an acceptor splice site in intron 8 of the DNAAF5 gene. It is expected to disrupt RNA splicing. Variants that disrupt the donor or acceptor splice site typically lead to a loss of protein function (PMID: 16199547), and loss-of-function variants in DNAAF5 are known to be pathogenic (PMID: 24307375, 25232951). This variant is present in population databases (rs765025514, ExAC 0.02%). This variant has been observed in individual(s) with clinical features of primary ciliary dyskinesia (Invitae). Algorithms developed to predict the effect of sequence changes on RNA splicing suggest that this variant may disrupt the consensus splice site, but this prediction has not been confirmed by published transcriptional studies. For these reasons, this variant has been classified as Pathogenic.

Literature cited by the submitters: PubMed 16199547 (cited by Labcorp Genetics (formerly Invitae), Labcorp); PubMed 24307375 (cited by Labcorp Genetics (formerly Invitae), Labcorp); PubMed 25232951 (cited by Labcorp Genetics (formerly Invitae), Labcorp).

NM_017802.4(DNAAF5):c.1784-1G>T

Gene: DNAAF5 (dynein axonemal assembly factor 5; plus strand). Cytogenetic location: 7p22.3.
Variant type: single nucleotide variant.
Coding change: c.1784-1G>T on transcript NM_017802.4 (MANE Select); the canonical splice acceptor site of the intron before coding-DNA position 1784, G replaced by T.
Molecular consequence: splice acceptor variant.
Genome position (GRCh38, 1-based): chr7:770,470, G>T. VCF-style: chr7-770470-G-T. GRCh37 (hg19) VCF-style: chr7-810107-G-T.
Identifiers: ClinVar variation 454854 (VCV000454854.12), dbSNP rs765025514, ClinGen allele CA4110929.
Genomic context (GRCh38, chr7:770,470, plus strand): 5'-GGATGGGGCCTCCTCCCGTCTCCTGAGGGCCGTGCACAGGAGCCTCTGTTGTGTCTTACA[G>T]GCCCTGCCCTGGGAGAAGCCCTGCCACACGTCGTGCCCACGCTGAGGGCCTGTCTGCAGC-3'